The following is an entry in ClinVar:

NM_004329.3(BMPR1A):c.558A>G (p.Arg186=)

Gene: BMPR1A (bone morphogenetic protein receptor type 1A; plus strand). Cytogenetic location: 10q23.2.
Variant type: single nucleotide variant.
Coding change: c.558A>G on transcript NM_004329.3 (MANE Select); coding-DNA position 558, A replaced by G.
Protein change: p.Arg186=; no amino-acid change (arginine 186 retained).
Molecular consequence: synonymous variant.
Genome position (GRCh38, 1-based): chr10:86,912,267, A>G. VCF-style: chr10-86912267-A-G. GRCh37 (hg19) VCF-style: chr10-88672024-A-G.
Identifiers: ClinVar variation 460503 (VCV000460503.18), dbSNP rs752388441, ClinGen allele CA211200365.

ClinVar aggregate classification (germline): Benign/Likely benign. Review status: criteria provided, multiple submitters, no conflicts (2 of 4 stars). 4 submissions from 4 submitters: Benign (1); Likely benign (3). Last evaluated 2025-10-18.

Conditions:
Juvenile polyposis syndrome (JPS). Identifiers: Orphanet 2929, MedGen C0345893, MONDO:0017380, OMIM 174900.
Hereditary cancer-predisposing syndrome. Also called: Hereditary neoplastic syndrome; Neoplastic Syndromes, Hereditary; Tumor predisposition; Hereditary Cancer Syndrome. Identifiers: Orphanet 140162, MedGen C0027672, MeSH D009386, MONDO:0015356.

Allele frequency attached by ClinVar (database versions not stated): gnomAD exomes 0.00001 and 0.00002.
gnomAD v4.1: 29 of 1,613,840 alleles (0.0018%); highest among the groups gnomAD compares: Non-Finnish European, 0.0025%; no homozygotes.

Submissions (4):

Labcorp Genetics (formerly Invitae), Labcorp
Classification: Likely benign for Juvenile polyposis syndrome. Last evaluated: 2025-10-18. Review status: criteria provided, single submitter. Criteria: Invitae Variant Classification Sherloc (09022015). Collection method: clinical testing. Allele origin: germline.

Myriad Genetics, Inc.
Classification: Benign for Juvenile polyposis syndrome. Last evaluated: 2024-08-01. Review status: criteria provided, single submitter. Criteria: Myriad Autosomal Dominant, Autosomal Recessive and X-Linked Classification Criteria (2023). Collection method: clinical testing. Allele origin: unknown.
Comment: This variant is considered benign. This variant is a silent/synonymous amino acid change and it is not expected to impact splicing.

All of Us Research Program, National Institutes of Health
Classification: Likely benign for Juvenile polyposis syndrome. Last evaluated: 2023-09-17. Review status: criteria provided, single submitter. Criteria: ACMG Guidelines, 2015. Collection method: clinical testing. Allele origin: germline. Inheritance: Autosomal dominant inheritance. Observed: 1 variant allele, 1 heterozygote.
Comment: This study involves interpretation of variants in research participants for the purpose of population health screening. Participant phenotype was not available at the time of variant classification. Additional details can be found in publication PMID: 35346344, PMCID: PMC8962531

Ambry Genetics
Classification: Likely benign for Hereditary cancer-predisposing syndrome. Last evaluated: 2016-03-18. Review status: criteria provided, single submitter. Criteria: Ambry Variant Classification Scheme 2023. Collection method: clinical testing. Allele origin: germline.